The following is an entry in ClinVar:

NM_000141.5(FGFR2):c.2302-1589C>T

Gene: FGFR2 (fibroblast growth factor receptor 2; minus strand). Cytogenetic location: 10q26.13.
Variant type: single nucleotide variant.
Coding change: c.2302-1589C>T on transcript NM_000141.5 (MANE Select); 1589 bases into the intron before coding-DNA position 2302, C replaced by T.
Molecular consequence: intron variant.
Genome position (GRCh38, 1-based): chr10:121,481,610, G>A on the plus strand (C>T on the coding strand, the complement: FGFR2 is on the minus strand). VCF-style: chr10-121481610-G-A. GRCh37 (hg19) VCF-style: chr10-123241124-G-A.
Other names: c.1966-1589C>T (NM_001144914.1); c.1951-1589C>T (NM_001144918.2); c.1951-1497C>T (NM_001441091.1); c.1957-1589C>T (NM_001441090.1, NM_001144916.2); c.2029-1589C>T (NM_001441089.1); c.2035-1589C>T (NM_023029.3); c.2032-1589C>T (NM_001441088.1); c.1954-1589C>T (NM_001144917.2); and 5 more.
Identifiers: ClinVar variation 1879147 (VCV001879147.29), dbSNP rs41294235, ClinGen allele CA214952728.

ClinVar aggregate classification (germline): Benign (1 of 4 stars; one submission).

Allele frequency attached by ClinVar (database versions not stated): 1000 Genomes Project 30x 0.00250; 1000 Genomes Project 0.00260; TOPMed 0.00440; gnomAD 0.00555.
gnomAD v4.1: 833 of 152,102 alleles (0.55%); highest among the groups gnomAD compares: Non-Finnish European, 0.82%; 8 homozygotes.

Submission:

CeGaT Center for Human Genetics Tuebingen
Classification: Benign. Last evaluated: 2026-05-01. Review status: criteria provided, single submitter. Criteria: CeGaT Center For Human Genetics Tuebingen Variant Classification Criteria Version 2. Collection method: clinical testing. Allele origin: germline. Affected: yes. Observed: 16 variant alleles.
Comment: FGFR2: BS1, BS2